The following is an entry in ClinVar:

ClinVar aggregate classification (germline): Uncertain significance (1 of 4 stars; one submission).

Conditions:
Rhabdoid tumor predisposition syndrome 2 (RTPS2). Identifiers: Orphanet 231108, Orphanet 69077, MedGen C2750074, MONDO:0013224, OMIM 613325.

Submission:

Labcorp Genetics (formerly Invitae), Labcorp
Classification: Uncertain significance for Rhabdoid tumor predisposition syndrome 2. Last evaluated: 2025-01-24. Review status: criteria provided, single submitter. Criteria: Invitae Variant Classification Sherloc (09022015). Collection method: clinical testing. Allele origin: germline.
Comment: This sequence change replaces leucine, which is neutral and non-polar, with arginine, which is basic and polar, at codon 388 of the SMARCA4 protein (p.Leu388Arg). This variant is not present in population databases (gnomAD no frequency). This variant has not been reported in the literature in individuals affected with SMARCA4-related conditions. Invitae Evidence Modeling of protein sequence and biophysical properties (such as structural, functional, and spatial information, amino acid conservation, physicochemical variation, residue mobility, and thermodynamic stability) has been performed for this missense variant. However, the output from this modeling did not meet the statistical confidence thresholds required to predict the impact of this variant on SMARCA4 protein function. In summary, the available evidence is currently insufficient to determine the role of this variant in disease. Therefore, it has been classified as a Variant of Uncertain Significance.

NM_003072.5(SMARCA4):c.1163T>G (p.Leu388Arg)

Gene: SMARCA4 (SWI/SNF related BAF chromatin remodeling complex subunit ATPase 4; plus strand). Cytogenetic location: 19p13.2.
Variant type: single nucleotide variant.
Coding change: c.1163T>G on transcript NM_003072.5 (MANE Select); coding-DNA position 1163, T replaced by G.
Protein change: p.Leu388Arg; replaces leucine 388 with arginine.
Molecular consequence: missense variant. On other transcripts: non-coding transcript variant (1).
Genome position (GRCh38, 1-based): chr19:10,989,361, T>G. VCF-style: chr19-10989361-T-G. GRCh37 (hg19) VCF-style: chr19-11100037-T-G.
Other names: c.1163T>G, p.Leu388Arg (NM_001128844.3, NM_001128845.2, NM_001128846.2 and 6 more transcripts); short protein forms L388R.
Identifiers: ClinVar variation 3636846 (VCV003636846.2).